The following is an entry in ClinVar:

NM_022124.6(CDH23):c.4445C>T (p.Ala1482Val)

Gene: CDH23 (cadherin related 23; plus strand). Cytogenetic location: 10q22.1.
Variant type: single nucleotide variant.
Coding change: c.4445C>T on transcript NM_022124.6 (MANE Select); coding-DNA position 4445, C replaced by T.
Protein change: p.Ala1482Val; replaces alanine 1482 with valine.
Molecular consequence: missense variant.
Genome position (GRCh38, 1-based): chr10:71,739,729, C>T. VCF-style: chr10-71739729-C-T. GRCh37 (hg19) VCF-style: chr10-73499486-C-T.
Other names: c.4445C>T (NM_022124.5); short protein forms A1482V.
Identifiers: ClinVar variation 2173255 (VCV002173255.3), dbSNP rs2494214401, ClinGen allele CA377160173.
Genomic context (GRCh38, chr10:71,739,729, plus strand): 5'-ACATCGCGGGGGCCTTTGAGATCGTCACCACCAATGACTCCATTGGCGAAGTGTTTGTGG[C>T]CAGGCCCCTGGACAGAGAAGAGCTGGATCACTACATCCTCCAGGTGGGGCCTGGCCTCCC-3'
Protein context (NP_071407.4, residues 1472-1492): TNDSIGEVFV[Ala1482Val]RPLDREELDH

ClinVar aggregate classification (germline): Uncertain significance. Review status: criteria provided, multiple submitters, no conflicts (2 of 4 stars). 2 submissions from 2 submitters: Uncertain significance (2). Last evaluated 2023-03-28.

Conditions:
Inborn genetic diseases. Identifiers: MedGen C0950123, MeSH D030342.

gnomAD v4.1: 4 of 1,613,272 alleles (0.00025%); highest among the groups gnomAD compares: Non-Finnish European, 0.00034%; no homozygotes.

Submissions (2):

Ambry Genetics
Classification: Uncertain significance for Inborn genetic diseases. Last evaluated: 2023-03-28. Review status: criteria provided, single submitter. Criteria: Ambry Variant Classification Scheme 2023. Collection method: clinical testing. Allele origin: germline.

Labcorp Genetics (formerly Invitae), Labcorp
Classification: Uncertain significance. Last evaluated: 2022-08-22. Review status: criteria provided, single submitter. Criteria: Invitae Variant Classification Sherloc (09022015). Collection method: clinical testing. Allele origin: germline.
Comment: This sequence change replaces alanine, which is neutral and non-polar, with valine, which is neutral and non-polar, at codon 1482 of the CDH23 protein (p.Ala1482Val). This variant is not present in population databases (gnomAD no frequency). This variant has not been reported in the literature in individuals affected with CDH23-related conditions. Algorithms developed to predict the effect of missense changes on protein structure and function output the following: SIFT: "Tolerated"; PolyPhen-2: "Not Available"; Align-GVGD: "Class C0". The valine amino acid residue is found in multiple mammalian species, which suggests that this missense change does not adversely affect protein function. Algorithms developed to predict the effect of sequence changes on RNA splicing suggest that this variant may create or strengthen a splice site. In summary, the available evidence is currently insufficient to determine the role of this variant in disease. Therefore, it has been classified as a Variant of Uncertain Significance.